The following is an entry in ClinVar:

NM_005826.5(HNRNPR):c.196G>A (p.Asp66Asn)

Gene: HNRNPR (heterogeneous nuclear ribonucleoprotein R; minus strand). Cytogenetic location: 1p36.12.
Variant type: single nucleotide variant.
Coding change: c.196G>A on transcript NM_005826.5 (MANE Select); coding-DNA position 196, G replaced by A.
Protein change: p.Asp66Asn; replaces aspartic acid 66 with asparagine.
Molecular consequence: missense variant. On other transcripts: 5 prime UTR variant (4).
Genome position (GRCh38, 1-based): chr1:23,338,570, C>T on the plus strand (G>A on the coding strand, the complement: HNRNPR is on the minus strand). VCF-style: chr1-23338570-C-T. GRCh37 (hg19) VCF-style: chr1-23665063-C-T.
Other names: c.-108G>A (NM_001102397.3, NM_001102399.3, NM_001297621.2 and 1 more transcripts); c.196G>A, p.Asp66Asn (NM_001102398.3, NM_001297620.2, NM_001437727.1 and 1 more transcripts); short protein forms D66N.
Identifiers: ClinVar variation 5008849 (VCV005008849.1).

ClinVar aggregate classification (germline): Uncertain significance (1 of 4 stars; one submission).

Submission:

GeneDx
Classification: Uncertain significance. Last evaluated: 2026-03-09. Review status: criteria provided, single submitter. Criteria: GeneDx Variant Classification Process June 2021. Collection method: clinical testing. Allele origin: germline.
Comment: Not observed at significant frequency in large population cohorts (gnomAD); In silico analysis supports that this missense variant has a deleterious effect on protein structure/function; Has not been previously published as pathogenic or benign to our knowledge